The following is an entry in ClinVar:

NM_001004334.4(GPR179):c.3122G>A (p.Arg1041Lys)

Gene: GPR179 (G protein-coupled receptor 179; minus strand). Cytogenetic location: 17q12.
Variant type: single nucleotide variant.
Coding change: c.3122G>A on transcript NM_001004334.4 (MANE Select); coding-DNA position 3122, G replaced by A.
Protein change: p.Arg1041Lys; replaces arginine 1041 with lysine.
Molecular consequence: missense variant.
Genome position (GRCh38, 1-based): chr17:38,330,447, C>T on the plus strand (G>A on the coding strand, the complement: GPR179 is on the minus strand). VCF-style: chr17-38330447-C-T. GRCh37 (hg19) VCF-style: chr17-36486330-C-T.
Other names: short protein forms R1041K.
Identifiers: ClinVar variation 1972995 (VCV001972995.5), dbSNP rs1346285588, ClinGen allele CA398880630.

ClinVar aggregate classification (germline): Uncertain significance (1 of 4 stars; one submission).

Allele frequency attached by ClinVar (database versions not stated): gnomAD exomes below 0.00001.
gnomAD v4.1: 1 of 1,575,408 alleles (0.000063%); highest among the groups gnomAD compares: Non-Finnish European, 0.000086%; no homozygotes.

Submission:

Labcorp Genetics (formerly Invitae), Labcorp
Classification: Uncertain significance. Last evaluated: 2022-03-24. Review status: criteria provided, single submitter. Criteria: Invitae Variant Classification Sherloc (09022015). Collection method: clinical testing. Allele origin: germline.
Comment: This variant has not been reported in the literature in individuals affected with GPR179-related conditions. This variant is not present in population databases (gnomAD no frequency). This sequence change replaces arginine, which is basic and polar, with lysine, which is basic and polar, at codon 1041 of the GPR179 protein (p.Arg1041Lys). Algorithms developed to predict the effect of missense changes on protein structure and function output the following: SIFT: "Tolerated"; PolyPhen-2: "Benign"; Align-GVGD: "Class C0". The lysine amino acid residue is found in multiple mammalian species, which suggests that this missense change does not adversely affect protein function. In summary, the available evidence is currently insufficient to determine the role of this variant in disease. Therefore, it has been classified as a Variant of Uncertain Significance.